The following is an entry in ClinVar:

NM_000075.4(CDK4):c.320C>T (p.Ala107Val)

Gene: CDK4 (cyclin dependent kinase 4; minus strand). Cytogenetic location: 12q14.1.
Variant type: single nucleotide variant.
Coding change: c.320C>T on transcript NM_000075.4 (MANE Select); coding-DNA position 320, C replaced by T.
Protein change: p.Ala107Val; replaces alanine 107 with valine.
Molecular consequence: missense variant.
Genome position (GRCh38, 1-based): chr12:57,751,241, G>A on the plus strand (C>T on the coding strand, the complement: CDK4 is on the minus strand). VCF-style: chr12-57751241-G-A. GRCh37 (hg19) VCF-style: chr12-58145024-G-A.
Other names: short protein forms A107V.
Identifiers: ClinVar variation 851019 (VCV000851019.10), dbSNP rs1955233758, ClinGen allele CA385547674.

ClinVar aggregate classification (germline): Uncertain significance. Review status: criteria provided, multiple submitters, no conflicts (2 of 4 stars). 2 submissions from 2 submitters: Uncertain significance (2). Last evaluated 2025-08-30.

Conditions:
Familial melanoma. Also called: Hereditary melanoma; Hereditary cutaneous melanoma. Identifiers: Orphanet 618, MedGen C1512419, MONDO:0018961.
Hereditary cancer-predisposing syndrome. Also called: Tumor predisposition; Neoplastic Syndromes, Hereditary; Hereditary neoplastic syndrome; Hereditary Cancer Syndrome. Identifiers: Orphanet 140162, MedGen C0027672, MeSH D009386, MONDO:0015356.

Submissions (2):

Labcorp Genetics (formerly Invitae), Labcorp
Classification: Uncertain significance for Familial melanoma. Last evaluated: 2025-08-30. Review status: criteria provided, single submitter. Criteria: Invitae Variant Classification Sherloc (09022015). Collection method: clinical testing. Allele origin: germline.
Comment: This sequence change replaces alanine, which is neutral and non-polar, with valine, which is neutral and non-polar, at codon 107 of the CDK4 protein (p.Ala107Val). This variant is not present in population databases (gnomAD no frequency). This variant has not been reported in the literature in individuals affected with CDK4-related conditions. ClinVar contains an entry for this variant (Variation ID: 851019). Invitae Evidence Modeling of protein sequence and biophysical properties (such as structural, functional, and spatial information, amino acid conservation, physicochemical variation, residue mobility, and thermodynamic stability) indicates that this missense variant is not expected to disrupt CDK4 protein function with a negative predictive value of 95%. In summary, the available evidence is currently insufficient to determine the role of this variant in disease. Therefore, it has been classified as a Variant of Uncertain Significance.

Ambry Genetics
Classification: Uncertain significance for Hereditary cancer-predisposing syndrome. Last evaluated: 2025-02-28. Review status: criteria provided, single submitter. Criteria: Ambry Variant Classification Scheme 2023. Collection method: clinical testing. Allele origin: germline.
Comment: The p.A107V variant (also known as c.320C>T), located in coding exon 2 of the CDK4 gene, results from a C to T substitution at nucleotide position 320. The alanine at codon 107 is replaced by valine, an amino acid with similar properties. This amino acid position is well conserved in available vertebrate species. In addition, this alteration is predicted to be tolerated by in silico analysis. Based on the available evidence, the clinical significance of this variant remains unclear.